The following is an entry in ClinVar:

NM_001042492.3(NF1):c.6805C>G (p.Arg2269Gly)

Gene: NF1 (neurofibromin 1; plus strand). Cytogenetic location: 17q11.2.
Variant type: single nucleotide variant.
Coding change: c.6805C>G on transcript NM_001042492.3 (MANE Select); coding-DNA position 6805, C replaced by G.
Protein change: p.Arg2269Gly; replaces arginine 2269 with glycine.
Molecular consequence: missense variant.
Genome position (GRCh38, 1-based): chr17:31,338,125, C>G. VCF-style: chr17-31338125-C-G. GRCh37 (hg19) VCF-style: chr17-29665143-C-G.
Other names: c.6742C>G, p.Arg2248Gly (NM_000267.4); short protein forms R2248G, R2269G.
Identifiers: ClinVar variation 861230 (VCV000861230.6), dbSNP rs1555534961, ClinGen allele CA399014195.
Genomic context (GRCh38, chr17:31,338,125, plus strand): 5'-CTTGTTGTCTTTGGGTGTATTAGCAAACGAGTGTCTCATGGGCAGATAAAGCAGATAATC[C>G]GTATTCTTAGCAAGGTACCTGTTCCGCCCTCACTTCTCCCAAATATTTATGGTTCTCAAG-3'
Protein context (NP_001035957.1, residues 2259-2279): VSHGQIKQII[Arg2269Gly]ILSKALESCL

ClinVar aggregate classification (germline): Uncertain significance (1 of 4 stars; one submission).

Conditions:
Neurofibromatosis, type 1 (NF1). Also called: Neurofibromatosis, type I; VON RECKLINGHAUSEN DISEASE; Peripheral type neurofibromatosis; NEUROFIBROMATOSIS, TYPE I, SOMATIC. Identifiers: Orphanet 636, MedGen C0027831, MONDO:0018975, OMIM 162200. Disease mechanism: loss of function.

Submission:

Labcorp Genetics (formerly Invitae), Labcorp
Classification: Uncertain significance for Neurofibromatosis, type 1. Last evaluated: 2020-02-19. Review status: criteria provided, single submitter. Criteria: Invitae Variant Classification Sherloc (09022015). Collection method: clinical testing. Allele origin: germline.
Comment: In summary, the available evidence is currently insufficient to determine the role of this variant in disease. Therefore, it has been classified as a Variant of Uncertain Significance. Algorithms developed to predict the effect of missense changes on protein structure and function are either unavailable or do not agree on the potential impact of this missense change (SIFT: "Deleterious"; PolyPhen-2: "Probably Damaging"; Align-GVGD: "Class C0"). This variant has not been reported in the literature in individuals with NF1-related conditions. This variant is not present in population databases (ExAC no frequency). This sequence change replaces arginine with glycine at codon 2248 of the NF1 protein (p.Arg2248Gly). The arginine residue is moderately conserved and there is a moderate physicochemical difference between arginine and glycine.